The following is an entry in ClinVar:

ClinVar aggregate classification (germline): Uncertain significance (1 of 4 stars; one submission).

gnomAD v4.1: 644 of 1,614,160 alleles (0.04%); highest among the groups gnomAD compares: African/African-American, 0.79%; no homozygotes.

Submission:

Mayo Clinic Laboratories, Mayo Clinic
Classification: Uncertain significance. Last evaluated: 2025-12-17. Review status: criteria provided, single submitter. Criteria: ACMG Guidelines, 2015. Collection method: clinical testing. Allele origin: germline. Observed: 1 variant allele.
Comment: BS1_supporting, BP4, PS3_supporting

Literature cited by the submitters: PubMed 17301694; PubMed 17495879.

NM_000962.4(PTGS1):c.688G>A (p.Gly230Ser)

Gene: PTGS1 (prostaglandin-endoperoxide synthase 1; plus strand). Cytogenetic location: 9q33.2.
Variant type: single nucleotide variant.
Coding change: c.688G>A on transcript NM_000962.4 (MANE Select); coding-DNA position 688, G replaced by A.
Protein change: p.Gly230Ser; replaces glycine 230 with serine.
Molecular consequence: missense variant.
Genome position (GRCh38, 1-based): chr9:122,381,673, G>A. VCF-style: chr9-122381673-G-A. GRCh37 (hg19) VCF-style: chr9-125143952-G-A.
Other names: p.Gly230Ser; c.544G>A, p.Gly182Ser (NM_001271164.2); c.361G>A, p.Gly121Ser (NM_001271165.2, NM_001271166.2, NM_001271367.2); c.613G>A, p.Gly205Ser (NM_001271368.2); c.688G>A, p.Gly230Ser (NM_080591.3); short protein forms G182S, G230S, G121S, G205S.
Identifiers: ClinVar variation 4541470 (VCV004541470.1).
Genomic context (GRCh38, chr9:122,381,673, plus strand): 5'-GACAGTGGGCCGGCACCCTGGTGACCTGAGGGAACCCCTCTCTGTCCACAGGTAGACCTC[G>A]GCCACATTTATGGAGACAATCTGGAGCGTCAGTATCAACTGCGGCTCTTTAAGGATGGGA-3'
Protein context (NP_000953.2, residues 220-240): TKALGHGVDL[Gly230Ser]HIYGDNLERQ